The following is an entry in ClinVar:

ClinVar aggregate classification (germline): Uncertain significance (1 of 4 stars; one submission).

Allele frequency attached by ClinVar (database versions not stated): gnomAD exomes below 0.00001; TOPMed 0.00001.
gnomAD v4.1: 1 of 1,614,182 alleles (0.000062%); highest among the groups gnomAD compares: Non-Finnish European, 0.000085%; no homozygotes.

Submission:

Labcorp Genetics (formerly Invitae), Labcorp
Classification: Uncertain significance. Last evaluated: 2022-05-16. Review status: criteria provided, single submitter. Criteria: Invitae Variant Classification Sherloc (09022015). Collection method: clinical testing. Allele origin: germline.
Comment: Algorithms developed to predict the effect of missense changes on protein structure and function (SIFT, PolyPhen-2, Align-GVGD) all suggest that this variant is likely to be disruptive. In summary, the available evidence is currently insufficient to determine the role of this variant in disease. Therefore, it has been classified as a Variant of Uncertain Significance. This variant has not been reported in the literature in individuals affected with P3H2-related conditions. This variant is not present in population databases (gnomAD no frequency). This sequence change replaces leucine, which is neutral and non-polar, with proline, which is neutral and non-polar, at codon 281 of the P3H2 protein (p.Leu281Pro).

NM_018192.4(P3H2):c.842T>C (p.Leu281Pro)

Gene: P3H2 (prolyl 3-hydroxylase 2; minus strand). Cytogenetic location: 3q28.
Variant type: single nucleotide variant.
Coding change: c.842T>C on transcript NM_018192.4 (MANE Select); coding-DNA position 842, T replaced by C.
Protein change: p.Leu281Pro; replaces leucine 281 with proline.
Molecular consequence: missense variant.
Genome position (GRCh38, 1-based): chr3:189,989,020, A>G on the plus strand (T>C on the coding strand, the complement: P3H2 is on the minus strand). VCF-style: chr3-189989020-A-G. GRCh37 (hg19) VCF-style: chr3-189706809-A-G.
Other names: c.299T>C, p.Leu100Pro (NM_001134418.2); short protein forms L100P, L281P.
Identifiers: ClinVar variation 1965985 (VCV001965985.5), dbSNP rs1172033141, ClinGen allele CA355759019.
Genomic context (GRCh38, chr3:189,989,020, plus strand): 5'-ATGGGAGAGAGGCGGCCAGGGCGGGTGGCAAGTTCCCTCACACATTCATGCTGACAAACA[A>G]GCACCTGCATGTAGTGATCTGGAAGACAAGAGCCAATACGTGTGTTCCTCCAGGTTGCTG-3'
Protein context (NP_060662.2, residues 271-291): EAIADHYMQV[Leu281Pro]VCQHECVREL